The following is an entry in ClinVar:

ClinVar aggregate classification (germline): Uncertain significance (1 of 4 stars; one submission).

Conditions:
Cardiovascular phenotype. Identifiers: MedGen CN230736.

Submission:

Ambry Genetics
Classification: Uncertain significance for Cardiovascular phenotype. Last evaluated: 2021-11-19. Review status: criteria provided, single submitter. Criteria: Ambry Variant Classification Scheme 2023. Collection method: clinical testing. Allele origin: germline.
Comment: The p.S19R variant (also known as c.55A>C), located in coding exon 2 of the TBX1 gene, results from an A to C substitution at nucleotide position 55. The serine at codon 19 is replaced by arginine, an amino acid with dissimilar properties. This amino acid position is conserved. In addition, this alteration is predicted to be tolerated by in silico analysis. Since supporting evidence is limited at this time, the clinical significance of this alteration remains unclear.

NM_001379200.1(TBX1):c.82A>C (p.Ser28Arg)

Gene: TBX1 (T-box transcription factor 1; plus strand). Cytogenetic location: 22q11.21.
Variant type: single nucleotide variant.
Coding change: c.82A>C on transcript NM_001379200.1 (MANE Select); coding-DNA position 82, A replaced by C.
Protein change: p.Ser28Arg; replaces serine 28 with arginine.
Molecular consequence: missense variant.
Genome position (GRCh38, 1-based): chr22:19,760,925, A>C. VCF-style: chr22-19760925-A-C. GRCh37 (hg19) VCF-style: chr22-19748448-A-C.
Other names: c.55A>C, p.Ser19Arg (NM_005992.1, NM_080646.2, NM_080647.1); short protein forms S19R, S28R.
Identifiers: ClinVar variation 1748541 (VCV001748541.2), dbSNP rs2517841324, ClinGen allele CA410681112.